The following is an entry in ClinVar:

ClinVar aggregate classification (germline): Uncertain significance (1 of 4 stars; one submission).

Conditions:
Familial cancer of breast. Also called: hereditary breast carcinoma; Hereditary breast cancer; BREAST CANCER, FAMILIAL. Identifiers: Orphanet 227535, MedGen C0346153, MONDO:0016419, OMIM 114480. Disease mechanism: loss of function.

Submission:

Labcorp Genetics (formerly Invitae), Labcorp
Classification: Uncertain significance for Familial cancer of breast. Last evaluated: 2022-05-30. Review status: criteria provided, single submitter. Criteria: Invitae Variant Classification Sherloc (09022015). Collection method: clinical testing. Allele origin: germline.
Comment: This sequence change replaces threonine, which is neutral and polar, with alanine, which is neutral and non-polar, at codon 839 of the PALB2 protein (p.Thr839Ala). This variant is not present in population databases (gnomAD no frequency). This variant has not been reported in the literature in individuals affected with PALB2-related conditions. Algorithms developed to predict the effect of missense changes on protein structure and function output the following: SIFT: "Tolerated"; PolyPhen-2: "Benign"; Align-GVGD: "Class C0". The alanine amino acid residue is found in multiple mammalian species, which suggests that this missense change does not adversely affect protein function. In summary, the available evidence is currently insufficient to determine the role of this variant in disease. Therefore, it has been classified as a Variant of Uncertain Significance.

NM_024675.4(PALB2):c.2515A>G (p.Thr839Ala)

Gene: PALB2 (partner and localizer of BRCA2; minus strand). Cytogenetic location: 16p12.2.
Variant type: single nucleotide variant.
Coding change: c.2515A>G on transcript NM_024675.4 (MANE Select); coding-DNA position 2515, A replaced by G.
Protein change: p.Thr839Ala; replaces threonine 839 with alanine.
Molecular consequence: missense variant.
Genome position (GRCh38, 1-based): chr16:23,629,275, T>C on the plus strand (A>G on the coding strand, the complement: PALB2 is on the minus strand). VCF-style: chr16-23629275-T-C. GRCh37 (hg19) VCF-style: chr16-23640596-T-C.
Other names: c.2455A>G, p.Thr819Ala (NM_001407296.1); c.2515A>G, p.Thr839Ala (NM_001407298.1, NM_001407299.1, NM_001407300.1 and 2 more transcripts); c.1630A>G, p.Thr544Ala (NM_001407304.1, NM_001407305.1, NM_001407306.1 and 5 more transcripts); c.727A>G, p.Thr243Ala (NM_001407312.1, NM_001407313.1); c.49A>G, p.Thr17Ala (NM_001407314.1); short protein forms T243A, T544A, T819A, T839A, T17A.
Identifiers: ClinVar variation 2001038 (VCV002001038.4), dbSNP rs2142369190, ClinGen allele CA395123877.